The following is an entry in ClinVar:

ClinVar aggregate classification (germline): Benign/Likely benign. Review status: criteria provided, multiple submitters, no conflicts (2 of 4 stars). 3 submissions from 3 submitters: Benign (1); Likely benign (2). Last evaluated 2025-12-25.

Allele frequency attached by ClinVar (database versions not stated): ESP Exome Variant Server 0.00015; 1000 Genomes Project 30x 0.00016; 1000 Genomes Project 0.00020; gnomAD 0.00052; gnomAD exomes 0.00053; TOPMed 0.00063; ExAC 0.00070.
gnomAD v4.1: 857 of 1,587,910 alleles (0.054%); highest among the groups gnomAD compares: Middle Eastern, 0.69%; 2 homozygotes.

Submissions (3):

Labcorp Genetics (formerly Invitae), Labcorp
Classification: Benign. Last evaluated: 2025-12-25. Review status: criteria provided, single submitter. Criteria: Invitae Variant Classification Sherloc (09022015). Collection method: clinical testing. Allele origin: germline.

CeGaT Center for Human Genetics Tuebingen
Classification: Likely benign. Last evaluated: 2025-11-01. Review status: criteria provided, single submitter. Criteria: CeGaT Center For Human Genetics Tuebingen Variant Classification Criteria Version 2. Collection method: clinical testing. Allele origin: germline. Affected: yes. Observed: 5 variant alleles.
Comment: ZMIZ1: BP4, BP7

Blueprint Genetics
Classification: Likely benign. Last evaluated: 2024-11-04. Review status: criteria provided, single submitter. Criteria: ACMG Guidelines, 2015. Collection method: clinical testing. Allele origin: germline.

NM_020338.4(ZMIZ1):c.330A>G (p.Arg110=)

Gene: ZMIZ1 (zinc finger MIZ-type containing 1; plus strand). Cytogenetic location: 10q22.3.
Variant type: single nucleotide variant.
Coding change: c.330A>G on transcript NM_020338.4 (MANE Select); coding-DNA position 330, A replaced by G.
Protein change: p.Arg110=; no amino-acid change (arginine 110 retained).
Molecular consequence: synonymous variant.
Genome position (GRCh38, 1-based): chr10:79,277,230, A>G. VCF-style: chr10-79277230-A-G. GRCh37 (hg19) VCF-style: chr10-81036987-A-G.
Identifiers: ClinVar variation 2052190 (VCV002052190.29), dbSNP rs149836320, ClinGen allele CA5572281.